The following is an entry in ClinVar:

ClinVar aggregate classification (germline): Uncertain significance (1 of 4 stars; one submission).

Allele frequency attached by ClinVar (database versions not stated): gnomAD exomes below 0.00001; gnomAD 0.00001.

Submission:

Labcorp Genetics (formerly Invitae), Labcorp
Classification: Uncertain significance. Last evaluated: 2022-07-06. Review status: criteria provided, single submitter. Criteria: Invitae Variant Classification Sherloc (09022015). Collection method: clinical testing. Allele origin: germline.
Comment: In summary, the available evidence is currently insufficient to determine the role of this variant in disease. Therefore, it has been classified as a Variant of Uncertain Significance. Algorithms developed to predict the effect of missense changes on protein structure and function are either unavailable or do not agree on the potential impact of this missense change (SIFT: "Tolerated"; PolyPhen-2: "Probably Damaging"; Align-GVGD: "Class C0"). ClinVar contains an entry for this variant (Variation ID: 1473993). This variant has not been reported in the literature in individuals affected with SBF1-related conditions. This variant is present in population databases (no rsID available, gnomAD 0.007%). This sequence change replaces histidine, which is basic and polar, with tyrosine, which is neutral and polar, at codon 1012 of the SBF1 protein (p.His1012Tyr).

NM_002972.4(SBF1):c.3034C>T (p.His1012Tyr)

Gene: SBF1 (SET binding factor 1; minus strand). Cytogenetic location: 22q13.33.
Variant type: single nucleotide variant.
Coding change: c.3034C>T on transcript NM_002972.4 (MANE Select); coding-DNA position 3034, C replaced by T.
Protein change: p.His1012Tyr; replaces histidine 1012 with tyrosine.
Molecular consequence: missense variant.
Genome position (GRCh38, 1-based): chr22:50,460,646, G>A on the plus strand (C>T on the coding strand, the complement: SBF1 is on the minus strand). VCF-style: chr22-50460646-G-A. GRCh37 (hg19) VCF-style: chr22-50899075-G-A.
Other names: c.3037C>T, p.His1013Tyr (NM_001365819.1); short protein forms H1012Y, H1013Y.
Identifiers: ClinVar variation 1473993 (VCV001473993.7), dbSNP rs1314884670, ClinGen allele CA412207523.